The following is an entry in ClinVar:

NM_001048174.2(MUTYH):c.1474A>C (p.Lys492Gln)

Gene: MUTYH (mutY DNA glycosylase; minus strand). Cytogenetic location: 1p34.1.
Variant type: single nucleotide variant.
Coding change: c.1474A>C on transcript NM_001048174.2 (MANE Select); coding-DNA position 1474, A replaced by C.
Protein change: p.Lys492Gln; replaces lysine 492 with glutamine.
Molecular consequence: missense variant. On other transcripts: non-coding transcript variant (7).
Genome position (GRCh38, 1-based): chr1:45,329,398, T>G on the plus strand (A>C on the coding strand, the complement: MUTYH is on the minus strand). VCF-style: chr1-45329398-T-G. GRCh37 (hg19) VCF-style: chr1-45795070-T-G.
Other names: c.1516A>C, p.Lys506Gln (NM_001407083.1, NM_001407085.1); c.1477A>C, p.Lys493Gln (NM_001407086.1, NM_001048172.2, NM_001407071.1 and 1 more transcripts); c.1495A>C, p.Lys499Gln (NM_001407087.1); c.1474A>C, p.Lys492Gln (NM_001407088.1, NM_001407089.1, NM_001048171.2 and 6 more transcripts); c.1198A>C, p.Lys400Gln (NM_001407091.1, NM_001293192.2, NM_001293196.2); c.1549A>C, p.Lys517Gln (NM_012222.3); c.1558A>C, p.Lys520Gln (NM_001128425.2); c.1519A>C, p.Lys507Gln (NM_001293190.2); and 5 more; short protein forms K478Q, K492Q, K503Q, K507Q, K464Q, K400Q, K479Q, K517Q.
Identifiers: ClinVar variation 4113358 (VCV004113358.1).

ClinVar aggregate classification (germline): Uncertain significance (1 of 4 stars; one submission).

Conditions:
Hereditary cancer-predisposing syndrome. Also called: Tumor predisposition; Neoplastic Syndromes, Hereditary; Hereditary neoplastic syndrome; Hereditary Cancer Syndrome. Identifiers: Orphanet 140162, MedGen C0027672, MeSH D009386, MONDO:0015356.

Submission:

Ambry Genetics
Classification: Uncertain significance for Hereditary cancer-predisposing syndrome. Last evaluated: 2025-08-27. Review status: criteria provided, single submitter. Criteria: Ambry Variant Classification Scheme 2023. Collection method: clinical testing. Allele origin: germline.
Comment: The p.K520Q variant (also known as c.1558A>C), located in coding exon 16 of the MUTYH gene, results from an A to C substitution at nucleotide position 1558. The lysine at codon 520 is replaced by glutamine, an amino acid with similar properties. This amino acid position is conserved. In addition, this alteration is predicted to be tolerated by in silico analysis. Based on the available evidence, the clinical significance of this variant remains unclear.